The following is an entry in ClinVar:

ClinVar aggregate classification (germline): Uncertain significance (1 of 4 stars; one submission).

Conditions:
Gastrointestinal stromal tumor. Also called: Gastrointestinal stromal tumor, somatic; Gastrointestinal stroma tumor. Identifiers: Orphanet 44890, MedGen C0238198, MeSH D046152, MONDO:0011719, OMIM 606764, HP:0100723.

Submission:

Labcorp Genetics (formerly Invitae), Labcorp
Classification: Uncertain significance for Gastrointestinal stromal tumor. Last evaluated: 2024-05-19. Review status: criteria provided, single submitter. Criteria: Invitae Variant Classification Sherloc (09022015). Collection method: clinical testing. Allele origin: germline.
Comment: This sequence change replaces phenylalanine, which is neutral and non-polar, with leucine, which is neutral and non-polar, at codon 689 of the KIT protein (p.Phe689Leu). This variant is not present in population databases (gnomAD no frequency). This variant has not been reported in the literature in individuals affected with KIT-related conditions. An algorithm developed to predict the effect of missense changes on protein structure and function (PolyPhen-2) suggests that this variant is likely to be tolerated. In summary, the available evidence is currently insufficient to determine the role of this variant in disease. Therefore, it has been classified as a Variant of Uncertain Significance.

NM_000222.3(KIT):c.2065T>C (p.Phe689Leu)

Gene: KIT (KIT proto-oncogene, receptor tyrosine kinase; plus strand). Cytogenetic location: 4q12.
Variant type: single nucleotide variant.
Coding change: c.2065T>C on transcript NM_000222.3 (MANE Select); coding-DNA position 2065, T replaced by C.
Protein change: p.Phe689Leu; replaces phenylalanine 689 with leucine.
Molecular consequence: missense variant.
Genome position (GRCh38, 1-based): chr4:54,729,409, T>C. VCF-style: chr4-54729409-T-C. GRCh37 (hg19) VCF-style: chr4-55595575-T-C.
Other names: c.2056T>C, p.Phe686Leu (NM_001385288.1, NM_001385292.1); c.2068T>C, p.Phe690Leu (NM_001385290.1, NM_001385284.1); c.2053T>C, p.Phe685Leu (NM_001093772.2, NM_001385286.1); c.2065T>C, p.Phe689Leu (NM_001385285.1); short protein forms F685L, F689L, F686L, F690L.
Identifiers: ClinVar variation 3653825 (VCV003653825.2).
Genomic context (GRCh38, chr4:54,729,409, plus strand): 5'-ATTACAGAATATTGTTGCTATGGTGATCTTTTGAATTTTTTGAGAAGAAAACGTGATTCA[T>C]TTATTTGTTCAAAGCAGGAAGATCATGCAGAAGCTGCACTTTATAAGAATCTTCTGCATT-3'
Protein context (NP_000213.1, residues 679-699): LNFLRRKRDS[Phe689Leu]ICSKQEDHAE